The following is an entry in ClinVar:

NM_016333.4(SRRM2):c.900A>C (p.Ser300=)

Gene: SRRM2 (serine/arginine repetitive matrix 2; plus strand). Cytogenetic location: 16p13.3.
Variant type: single nucleotide variant.
Coding change: c.900A>C on transcript NM_016333.4 (MANE Select); coding-DNA position 900, A replaced by C.
Protein change: p.Ser300=; no amino-acid change (serine 300 retained).
Molecular consequence: synonymous variant.
Genome position (GRCh38, 1-based): chr16:2,760,367, A>C. VCF-style: chr16-2760367-A-C. GRCh37 (hg19) VCF-style: chr16-2810368-A-C.
Identifiers: ClinVar variation 4281013 (VCV004281013.7).

ClinVar aggregate classification (germline): Likely benign (1 of 4 stars; one submission).

gnomAD v4.1: 105 of 1,613,968 alleles (0.0065%); highest among the groups gnomAD compares: Non-Finnish European, 0.0083%; no homozygotes.

Submission:

CeGaT Center for Human Genetics Tuebingen
Classification: Likely benign. Last evaluated: 2025-09-01. Review status: criteria provided, single submitter. Criteria: CeGaT Center For Human Genetics Tuebingen Variant Classification Criteria Version 2. Collection method: clinical testing. Allele origin: germline. Affected: yes. Observed: 1 variant allele.
Comment: SRRM2: BP4, BP7